The following is an entry in ClinVar:

NM_006899.5(IDH3B):c.532A>G (p.Ser178Gly)

Gene: IDH3B (isocitrate dehydrogenase (NAD(+)) 3 non-catalytic subunit beta; minus strand). Cytogenetic location: 20p13.
Variant type: single nucleotide variant.
Coding change: c.532A>G on transcript NM_006899.5 (MANE Select); coding-DNA position 532, A replaced by G.
Protein change: p.Ser178Gly; replaces serine 178 with glycine.
Molecular consequence: missense variant. On other transcripts: non-coding transcript variant (1).
Genome position (GRCh38, 1-based): chr20:2,660,590, T>C on the plus strand (A>G on the coding strand, the complement: IDH3B is on the minus strand). VCF-style: chr20-2660590-T-C. GRCh37 (hg19) VCF-style: chr20-2641236-T-C.
Other names: c.532A>G, p.Ser178Gly (NM_001258384.3, NM_001330763.2, NM_174855.4); short protein forms S178G.
Identifiers: ClinVar variation 966230 (VCV000966230.10), dbSNP rs2086927107, ClinGen allele CA408037985.

ClinVar aggregate classification (germline): Uncertain significance (1 of 4 stars; one submission).

gnomAD v4.1: 4 of 1,614,064 alleles (0.00025%); no homozygotes.

Submission:

Labcorp Genetics (formerly Invitae), Labcorp
Classification: Uncertain significance. Last evaluated: 2022-03-22. Review status: criteria provided, single submitter. Criteria: Invitae Variant Classification Sherloc (09022015). Collection method: clinical testing. Allele origin: germline.
Comment: This sequence change replaces serine, which is neutral and polar, with glycine, which is neutral and non-polar, at codon 178 of the IDH3B protein (p.Ser178Gly). This variant is not present in population databases (gnomAD no frequency). This variant has not been reported in the literature in individuals affected with IDH3B-related conditions. ClinVar contains an entry for this variant (Variation ID: 966230). Algorithms developed to predict the effect of missense changes on protein structure and function are either unavailable or do not agree on the potential impact of this missense change (SIFT: "Not Available"; PolyPhen-2: "Probably Damaging"; Align-GVGD: "Not Available"). In summary, the available evidence is currently insufficient to determine the role of this variant in disease. Therefore, it has been classified as a Variant of Uncertain Significance.